The following is an entry in ClinVar:

ClinVar aggregate classification (germline): Uncertain significance (1 of 4 stars; one submission).

Conditions:
LRP5-related disorder. Also called: LRP5-related condition.

gnomAD v4.1: 8 of 1,614,226 alleles (0.0005%); highest among the groups gnomAD compares: East Asian, 0.018%; no homozygotes.

Submission:

PreventionGenetics, part of Exact Sciences
Classification: Uncertain significance for LRP5-related condition. Last evaluated: 2026-01-08. Review status: criteria provided, single submitter. Criteria: ACMG Guidelines, 2015. Collection method: clinical testing. Allele origin: germline.
Comment: The LRP5 c.2959C>A variant is predicted to result in the amino acid substitution p.Leu987Met. To our knowledge, this variant has not been reported in the literature in association with LRP5-related disease. This variant is present in 0.038% of alleles in individuals of East Asian descent in gnomAD. At this time, the clinical significance of this variant is uncertain due to the absence of conclusive functional and genetic evidence.

NM_002335.4(LRP5):c.2959C>A (p.Leu987Met)

Gene: LRP5 (LDL receptor related protein 5; plus strand). Cytogenetic location: 11q13.2.
Variant type: single nucleotide variant.
Coding change: c.2959C>A on transcript NM_002335.4 (MANE Select); coding-DNA position 2959, C replaced by A.
Protein change: p.Leu987Met; replaces leucine 987 with methionine.
Molecular consequence: missense variant.
Genome position (GRCh38, 1-based): chr11:68,416,459, C>A. VCF-style: chr11-68416459-C-A. GRCh37 (hg19) VCF-style: chr11-68183927-C-A.
Other names: c.1216C>A, p.Leu406Met (NM_001291902.2); short protein forms L987M, L406M.
Identifiers: ClinVar variation 4985240 (VCV004985240.1).